The following is an entry in ClinVar:

NM_000360.4(TH):c.1383G>A (p.Pro461=)

Gene: TH (tyrosine hydroxylase; minus strand). Cytogenetic location: 11p15.5.
Variant type: single nucleotide variant.
Coding change: c.1383G>A on transcript NM_000360.4 (MANE Select); coding-DNA position 1383, G replaced by A.
Protein change: p.Pro461=; no amino-acid change (proline 461 retained).
Molecular consequence: synonymous variant.
Genome position (GRCh38, 1-based): chr11:2,164,344, C>T on the plus strand (G>A on the coding strand, the complement: TH is on the minus strand). VCF-style: chr11-2164344-C-T. GRCh37 (hg19) VCF-style: chr11-2185574-C-T.
Other names: c.1476G>A, p.Pro492= (NM_199292.3); c.1464G>A, p.Pro488= (NM_199293.3).
Identifiers: ClinVar variation 879135 (VCV000879135.21), dbSNP rs552808212, ClinGen allele CA5818257.

ClinVar aggregate classification (germline): Conflicting classifications of pathogenicity. Review status: criteria provided, conflicting classifications (1 of 4 stars). 4 submissions from 4 submitters: Uncertain significance (1); Likely benign (2). 1 of the submissions does not count toward it. Last evaluated 2026-01-12.

Conditions:
TH-deficient dopa-responsive dystonia. Also called: DYT-TH; Tyrosine Hydroxylase-Deficient Dopa-Responsive Dystonia; Segawa syndrome, autosomal recessive. Identifiers: Orphanet 101150, MedGen C2673535, MONDO:0011551, OMIM 605407.

Allele frequency attached by ClinVar (database versions not stated): gnomAD exomes 0.00005 and 0.00008; TOPMed 0.00009; ExAC 0.00010; gnomAD 0.00011; 1000 Genomes Project 30x 0.00031; 1000 Genomes Project 0.00040.

Submissions (4):

Labcorp Genetics (formerly Invitae), Labcorp
Classification: Likely benign for TH-deficient dopa-responsive dystonia. Last evaluated: 2026-01-12. Review status: criteria provided, single submitter. Criteria: Invitae Variant Classification Sherloc (09022015). Collection method: clinical testing. Allele origin: germline.

CeGaT Center for Human Genetics Tuebingen
Classification: Likely benign. Last evaluated: 2025-09-01. Review status: criteria provided, single submitter. Criteria: CeGaT Center For Human Genetics Tuebingen Variant Classification Criteria Version 2. Collection method: clinical testing. Allele origin: germline. Affected: yes. Observed: 1 variant allele.
Comment: TH: BP4, BP7

Illumina Laboratory Services, Illumina
Classification: Uncertain significance for TH-deficient dopa-responsive dystonia. Last evaluated: 2018-01-12. Review status: criteria provided, single submitter. Criteria: ICSL Variant Classification Criteria 13 December 2019. Collection method: clinical testing. Allele origin: germline.

Natera, Inc.
Classification: Likely benign for Autosomal recessive Segawa syndrome. Last evaluated: 2020-10-23. Review status: no assertion criteria provided. Collection method: clinical testing. Allele origin: germline. Not counted in ClinVar's aggregate classification.